The following is an entry in ClinVar:

ClinVar aggregate classification (germline): Uncertain significance (1 of 4 stars; one submission).

Allele frequency attached by ClinVar (database versions not stated): 1000 Genomes Project 30x 0.00016; 1000 Genomes Project 0.00020; gnomAD 0.00021; ExAC 0.00025; ESP Exome Variant Server 0.00031; TOPMed 0.00031.

Submission:

Labcorp Genetics (formerly Invitae), Labcorp
Classification: Uncertain significance. Last evaluated: 2026-01-27. Review status: criteria provided, single submitter. Criteria: Invitae Variant Classification Sherloc (09022015). Collection method: clinical testing. Allele origin: germline.
Comment: This sequence change replaces arginine, which is basic and polar, with cysteine, which is neutral and slightly polar, at codon 304 of the CLUAP1 protein (p.Arg304Cys). This variant is present in population databases (rs137950850, gnomAD 0.09%), and has an allele count higher than expected for a pathogenic variant. This variant has not been reported in the literature in individuals affected with CLUAP1-related conditions. ClinVar contains an entry for this variant (Variation ID: 1043358). Invitae Evidence Modeling of protein sequence and biophysical properties (such as structural, functional, and spatial information, amino acid conservation, physicochemical variation, residue mobility, and thermodynamic stability) indicates that this missense variant is not expected to disrupt CLUAP1 protein function with a negative predictive value of 80%. In summary, the available evidence is currently insufficient to determine the role of this variant in disease. Therefore, it has been classified as a Variant of Uncertain Significance.

NM_015041.3(CLUAP1):c.910C>T (p.Arg304Cys)

Gene: CLUAP1 (clusterin associated protein 1; plus strand). Cytogenetic location: 16p13.3.
Variant type: single nucleotide variant.
Coding change: c.910C>T on transcript NM_015041.3 (MANE Select); coding-DNA position 910, C replaced by T.
Protein change: p.Arg304Cys; replaces arginine 304 with cysteine.
Molecular consequence: missense variant.
Genome position (GRCh38, 1-based): chr16:3,526,466, C>T. VCF-style: chr16-3526466-C-T. GRCh37 (hg19) VCF-style: chr16-3576466-C-T.
Other names: c.910C>T, p.Arg304Cys (NM_001330454.2); c.412C>T, p.Arg138Cys (NM_024793.3); short protein forms R304C, R138C.
Identifiers: ClinVar variation 1043358 (VCV001043358.7), dbSNP rs137950850, ClinGen allele CA7863888.
Genomic context (GRCh38, chr16:3,526,466, plus strand): 5'-CCACAGGAAGCTAAAAACACTCTCTGCCTGATACAGAACAAGCTCAAGGAGGAAGAGAAG[C>T]GCCTGCTCAAGAGTGGAAGTAAGGCTGGGCTTCGTAGACGAGCAGTTTACTCTGGACTAG-3'
Protein context (NP_055856.1, residues 294-314): IQNKLKEEEK[Arg304Cys]LLKSGSNDDS